The following is an entry in ClinVar:

ClinVar aggregate classification (germline): Uncertain significance (1 of 4 stars; one submission).

Conditions:
Maturity-onset diabetes of the young (MODY). Also called: Maturity onset diabetes mellitus in young. Identifiers: Orphanet 552, MedGen C0342276, MONDO:0018911, HP:0004904.

Allele frequency attached by ClinVar (database versions not stated): gnomAD 0.00001; TOPMed 0.00001.
gnomAD v4.1: 6 of 1,613,516 alleles (0.00037%); highest among the groups gnomAD compares: Admixed American, 0.0017%; no homozygotes.

Submission:

Clinical Genomics, Uppaluri K&H Personalized Medicine Clinic
Classification: Uncertain significance for Maturity-onset diabetes of the young. Review status: criteria provided, single submitter. Criteria: K & H Uppaluri Personalized Medicine Clinic Variant Classification & Assertion Criteria_Updated V.1. Collection method: research. Allele origin: somatic. Inheritance: Autosomal dominant inheritance.
Comment: Mutations in KCNJ11 gene can cause decreased production and secretion of insulin. This can lead to MODY which may be responsive to oral sulfonylureas. However, no sufficient evidence is found to ascertain the role of this particular variant rs781450902 in congenital hyperinsulinism or Neonatal Diabetes or MODY yet.

Literature cited by the submitters: PubMed 31464105.

NM_000525.4(KCNJ11):c.661C>T (p.Arg221Cys)

Gene: KCNJ11 (potassium inwardly rectifying channel subfamily J member 11; minus strand). Cytogenetic location: 11p15.1.
Variant type: single nucleotide variant.
Coding change: c.661C>T on transcript NM_000525.4 (MANE Select); coding-DNA position 661, C replaced by T.
Protein change: p.Arg221Cys; replaces arginine 221 with cysteine.
Molecular consequence: missense variant.
Genome position (GRCh38, 1-based): chr11:17,387,431, G>A on the plus strand (C>T on the coding strand, the complement: KCNJ11 is on the minus strand). VCF-style: chr11-17387431-G-A. GRCh37 (hg19) VCF-style: chr11-17408978-G-A.
Other names: c.400C>T, p.Arg134Cys (NM_001166290.2, NM_001377296.1, NM_001377297.1); short protein forms R134C, R221C.
Identifiers: ClinVar variation 1679521 (VCV001679521.1), dbSNP rs781450902, ClinGen allele CA5902267.